The following is an entry in ClinVar:

ClinVar aggregate classification (germline): Uncertain significance (1 of 4 stars; one submission).

Submission:

GeneDx
Classification: Uncertain significance. Last evaluated: 2025-10-03. Review status: criteria provided, single submitter. Criteria: GeneDx Variant Classification Process June 2021. Collection method: clinical testing. Allele origin: germline.
Comment: Not observed at significant frequency in large population cohorts (gnomAD); In silico analysis supports that this missense variant has a deleterious effect on protein structure/function; Has not been previously published as pathogenic or benign to our knowledge

NM_015107.3(PHF8):c.268G>A (p.Glu90Lys)

Gene: PHF8 (PHD finger protein 8; minus strand). Cytogenetic location: Xp11.22.
Variant type: single nucleotide variant.
Coding change: c.268G>A on transcript NM_015107.3 (MANE Select); coding-DNA position 268, G replaced by A.
Protein change: p.Glu90Lys; replaces glutamic acid 90 with lysine.
Molecular consequence: missense variant.
Genome position (GRCh38, 1-based): chrX:54,022,284, C>T on the plus strand (G>A on the coding strand, the complement: PHF8 is on the minus strand). VCF-style: chrX-54022284-C-T. GRCh37 (hg19) VCF-style: chrX-54048717-C-T.
Other names: c.376G>A, p.Glu126Lys (NM_001184896.1); c.268G>A, p.Glu90Lys (NM_001184897.2, NM_001184898.2); short protein forms E126K, E90K.
Identifiers: ClinVar variation 2430482 (VCV002430482.2), dbSNP rs2519712322, ClinGen allele CA413246235.